The following is an entry in ClinVar:

NM_020800.3(IFT80):c.1989_1990del (p.Ile665fs)

Genes: TRIM59-IFT80 (TRIM59-IFT80 readthrough (NMD candidate); minus strand), IFT80 (intraflagellar transport 80; minus strand). Cytogenetic location: 3q25.33.
Variant type: Deletion.
Coding change: c.1989_1990del on transcript NM_020800.3 (MANE Select); coding-DNA positions 1989 to 1990, 2 bases deleted (CC; older notation c.1989_1990delCC).
Protein change: p.Ile665fs; shifts the reading frame from isoleucine 665.
Molecular consequence: frameshift variant. On other transcripts: non-coding transcript variant (3).
Genome position (GRCh38, 1-based): chr3:160,277,415-160,277,416, GG deleted on the plus strand (CC on the coding strand, the reverse complement: IFT80 is on the minus strand); deleting any 2 consecutive bases within chr3:160,277,415-160,277,417 gives the same sequence; the c. name uses the placement nearest the transcript's 3' end. VCF-style (leftmost placement, unchanged base first): chr3-160277414-TGG-T. GRCh37 (hg19) VCF-style: chr3-159995202-TGG-T.
Other names: c.1578_1579del, p.Ile528fs (NM_001190241.2, NM_001190242.2); short protein forms I528fs, I665fs.
Identifiers: ClinVar variation 2073534 (VCV002073534.4), dbSNP rs2473099701, ClinGen allele CA2580068999.
Genomic context (GRCh38, chr3:160,277,414, plus strand): 5'-AGGCCAGCCTGAAGAAGTACTATTTCAGCCTCCTGTATGTTCCCACTAAACAGTAGTATG[TGG>T]GCCATTTTTGATTCTTTAGATGGAAGATTTTTTATAGAATTGATGTACTGAACCTTATCA-3'

ClinVar aggregate classification (germline): Pathogenic (1 of 4 stars; one submission).

Conditions:
Jeune thoracic dystrophy. Also called: Jeune syndrome; Infantile thoracic dystrophy; Thoracic pelvic phalangeal dystrophy; Jeune's syndrome; Chondroectodermal dysplasia-like syndrome; Short-rib thoracic dysplasia. Identifiers: Orphanet 474, MedGen C0265275, MONDO:0018770.

Submission:

Labcorp Genetics (formerly Invitae), Labcorp
Classification: Pathogenic for Jeune thoracic dystrophy. Last evaluated: 2025-03-17. Review status: criteria provided, single submitter. Criteria: Invitae Variant Classification Sherloc (09022015). Collection method: clinical testing. Allele origin: germline.
Comment: This sequence change creates a premature translational stop signal (p.Ile665Thrfs*4) in the IFT80 gene. It is expected to result in an absent or disrupted protein product. Loss-of-function variants in IFT80 are known to be pathogenic (PMID: 21227999, 23339108, 29068549). This variant is not present in population databases (gnomAD no frequency). This variant has not been reported in the literature in individuals affected with IFT80-related conditions. ClinVar contains an entry for this variant (Variation ID: 2073534). For these reasons, this variant has been classified as Pathogenic.

Literature cited by the submitters: PubMed 21227999; PubMed 23339108; PubMed 29068549.